The following is an entry in ClinVar:

NM_001939.3(DRP2):c.1873A>C (p.Ser625Arg)

Gene: DRP2 (dystrophin related protein 2; plus strand). Cytogenetic location: Xq22.1.
Variant type: single nucleotide variant.
Coding change: c.1873A>C on transcript NM_001939.3 (MANE Select); coding-DNA position 1873, A replaced by C.
Protein change: p.Ser625Arg; replaces serine 625 with arginine.
Molecular consequence: missense variant.
Genome position (GRCh38, 1-based): chrX:101,252,612, A>C. VCF-style: chrX-101252612-A-C. GRCh37 (hg19) VCF-style: chrX-100507601-A-C.
Other names: c.1639A>C, p.Ser547Arg (NM_001171184.2); short protein forms S547R, S625R.
Identifiers: ClinVar variation 3338191 (VCV003338191.2).
Genomic context (GRCh38, chrX:101,252,612, plus strand): 5'-GGTCACTGTGGCACGTTGGACTCTCTTTCCTACTACATCTCCTCTCCCCCAAGGTACCGG[A>C]GTCTGAAGCAATTCAACGTTGACATCTGCCAGACCTGCTTCTTGACAGGCAGGGCCAGCA-3'
Protein context (NP_001930.2, residues 615-635): QCPIKGFRYR[Ser625Arg]LKQFNVDICQ

ClinVar aggregate classification (germline): Uncertain significance (0 of 4 stars; one submission).

Conditions:
Autism (AUTS). Also called: Autistic disorder of childhood onset; Autistic disorder. Identifiers: MedGen C0004352, MeSH D001321, MONDO:0005260, OMIM 209850, HP:0000717.

Submission:

Centre for Addiction & Mental Health
Classification: Uncertain significance for Autism. Review status: no assertion criteria provided. Collection method: research. Allele origin: de novo. Affected: yes. Observed: 1 hemizygote. Segregation with disease not observed.
Comment: Gene not previously associated with disease; independent supportng evidence needed